The following is an entry in ClinVar:

NM_000642.3(AGL):c.4363A>T (p.Ile1455Phe)

Gene: AGL (amylo-alpha-1,6-glucosidase and 4-alpha-glucanotransferase; plus strand). Cytogenetic location: 1p21.2.
Variant type: single nucleotide variant.
Coding change: c.4363A>T on transcript NM_000642.3 (MANE Select); coding-DNA position 4363, A replaced by T.
Protein change: p.Ile1455Phe; replaces isoleucine 1455 with phenylalanine.
Molecular consequence: missense variant.
Genome position (GRCh38, 1-based): chr1:99,916,613, A>T. VCF-style: chr1-99916613-A-T. GRCh37 (hg19) VCF-style: chr1-100382169-A-T.
Other names: c.4363A>T, p.Ile1455Phe (NM_000028.3, NM_000643.3, NM_000644.3 and 1 more transcripts); c.4315A>T, p.Ile1439Phe (NM_000646.3); c.4342A>T, p.Ile1448Phe (NM_001425326.1); c.4162A>T, p.Ile1388Phe (NM_001425327.1); c.4159A>T, p.Ile1387Phe (NM_001425328.1); c.4024A>T, p.Ile1342Phe (NM_001425329.1); c.3985A>T, p.Ile1329Phe (NM_001425332.1); short protein forms I1455F, I1439F, I1329F, I1342F, I1387F, I1388F, I1448F.
Identifiers: ClinVar variation 572094 (VCV000572094.8), dbSNP rs766952829, ClinGen allele CA967428.
Genomic context (GRCh38, chr1:99,916,613, plus strand): 5'-TTAGGTATTTATGGTTTTTTTTGTCTTTTAAATAATCTTTTTTAGGAGTGGCTGTGGCCT[A>T]TTGGGTATTTTCTTCGTGCAAAATTATATTTTTCCAGATTGATGGGCCCGGAGACTACTG-3'
Protein context (NP_000633.2, residues 1445-1465): YHQGPEWLWP[Ile1455Phe]GYFLRAKLYF

ClinVar aggregate classification (germline): Uncertain significance. Review status: criteria provided, single submitter (1 of 4 stars). 2 submissions from 2 submitters: Uncertain significance (1). 1 of the submissions does not count toward it. Last evaluated 2022-06-28.

Conditions:
Glycogen storage disease type III (GSD3). Also called: Cori disease; FORBES DISEASE. Identifiers: Orphanet 366, MedGen C0017922, MONDO:0009291, OMIM 232400.

Allele frequency attached by ClinVar (database versions not stated): ExAC 0.00001; gnomAD exomes 0.00001.
gnomAD v4.1: 11 of 1,613,042 alleles (0.00068%); highest among the groups gnomAD compares: Non-Finnish European, 0.00085%; no homozygotes.

Submissions (2):

Labcorp Genetics (formerly Invitae), Labcorp
Classification: Uncertain significance for Glycogen storage disease type III. Last evaluated: 2022-06-28. Review status: criteria provided, single submitter. Criteria: Invitae Variant Classification Sherloc (09022015). Collection method: clinical testing. Allele origin: germline.
Comment: This sequence change replaces isoleucine, which is neutral and non-polar, with phenylalanine, which is neutral and non-polar, at codon 1455 of the AGL protein (p.Ile1455Phe). This variant is present in population databases (rs766952829, gnomAD 0.002%). This variant has not been reported in the literature in individuals affected with AGL-related conditions. ClinVar contains an entry for this variant (Variation ID: 572094). Algorithms developed to predict the effect of missense changes on protein structure and function (SIFT, PolyPhen-2, Align-GVGD) all suggest that this variant is likely to be tolerated. In summary, the available evidence is currently insufficient to determine the role of this variant in disease. Therefore, it has been classified as a Variant of Uncertain Significance.

Natera, Inc.
Classification: Uncertain significance for Glycogen storage disease type III. Last evaluated: 2019-10-28. Review status: no assertion criteria provided. Collection method: clinical testing. Allele origin: germline. Not counted in ClinVar's aggregate classification.